The following is an entry in ClinVar:

NM_024989.4(PGAP1):c.301+5G>A

Gene: PGAP1 (post-GPI attachment to proteins inositol deacylase 1; minus strand). Cytogenetic location: 2q33.1.
Variant type: single nucleotide variant.
Coding change: c.301+5G>A on transcript NM_024989.4 (MANE Select); 5 bases into the intron after coding-DNA position 301, G replaced by A.
Molecular consequence: intron variant.
Genome position (GRCh38, 1-based): chr2:196,919,992, C>T on the plus strand (G>A on the coding strand, the complement: PGAP1 is on the minus strand). VCF-style: chr2-196919992-C-T. GRCh37 (hg19) VCF-style: chr2-197784716-C-T.
Other names: c.-811+5G>A (NM_001321100.2); c.-222+5G>A (NM_001321099.2).
Identifiers: ClinVar variation 2065407 (VCV002065407.4), dbSNP rs865859853, ClinGen allele CA62808584.
Genomic context (GRCh38, chr2:196,919,992, plus strand): 5'-GGATATGATTCAAATTCTTGAGTTGAATTTTATAGCTTTCAAAATTTACTTCCAGTAAGA[C>T]TTACCTTGCTTATAACTTCCAGCATTACCAGGAAGAAAGAGAACTGGAATACCCGTCAAA-3'

ClinVar aggregate classification (germline): Uncertain significance (1 of 4 stars; one submission).

Conditions:
Intellectual disability, autosomal recessive 42 (NEDDSBA). Also called: GLYCOSYLPHOSPHATIDYLINOSITOL BIOSYNTHESIS DEFECT 9; Neurodevelopmental disorder with dysmorphic features, spasticity, and brain abnormalities. Identifiers: Orphanet 88616, MedGen C4014343, MONDO:0014348, OMIM 615802.

Allele frequency attached by ClinVar (database versions not stated): gnomAD 0.00001; gnomAD exomes 0.00002; TOPMed 0.00002.
gnomAD v4.1: 37 of 1,603,506 alleles (0.0023%); highest among the groups gnomAD compares: Non-Finnish European, 0.0028%; no homozygotes.

Submission:

Labcorp Genetics (formerly Invitae), Labcorp
Classification: Uncertain significance for Intellectual disability, autosomal recessive 42. Last evaluated: 2025-07-28. Review status: criteria provided, single submitter. Criteria: Invitae Variant Classification Sherloc (09022015). Collection method: clinical testing. Allele origin: germline.
Comment: This sequence change falls in intron 2 of the PGAP1 gene. It does not directly change the encoded amino acid sequence of the PGAP1 protein. It affects a nucleotide within the consensus splice site. This variant is present in population databases (no rsID available, gnomAD 0.01%). This variant has not been reported in the literature in individuals affected with PGAP1-related conditions. ClinVar contains an entry for this variant (Variation ID: 2065407). Variants that disrupt the consensus splice site are a relatively common cause of aberrant splicing (PMID: 17576681, 9536098). Algorithms developed to predict the effect of sequence changes on RNA splicing suggest that this variant is not likely to affect RNA splicing. In summary, the available evidence is currently insufficient to determine the role of this variant in disease. Therefore, it has been classified as a Variant of Uncertain Significance.

Literature cited by the submitters: PubMed 17576681; PubMed 9536098.